The following is an entry in ClinVar:

NM_203487.3(PCDH9):c.3296C>T (p.Pro1099Leu)

Gene: PCDH9 (protocadherin 9; minus strand). Cytogenetic location: 13q21.32.
Variant type: single nucleotide variant.
Coding change: c.3296C>T on transcript NM_203487.3 (MANE Select); coding-DNA position 3296, C replaced by T.
Protein change: p.Pro1099Leu; replaces proline 1099 with leucine.
Molecular consequence: missense variant.
Genome position (GRCh38, 1-based): chr13:66,631,254, G>A on the plus strand (C>T on the coding strand, the complement: PCDH9 is on the minus strand). VCF-style: chr13-66631254-G-A. GRCh37 (hg19) VCF-style: chr13-67205386-G-A.
Other names: c.3170C>T, p.Pro1057Leu (NM_001318372.2); c.3068C>T, p.Pro1023Leu (NM_001318373.2); c.3194C>T, p.Pro1065Leu (NM_020403.5); short protein forms P1023L, P1057L, P1065L, P1099L.
Identifiers: ClinVar variation 3024693 (VCV003024693.22), dbSNP rs145894829, ClinGen allele CA6998471.

ClinVar aggregate classification (germline): Likely benign (1 of 4 stars; one submission).

Allele frequency attached by ClinVar (database versions not stated): ESP Exome Variant Server 0.00046; gnomAD 0.00071; TOPMed 0.00077; 1000 Genomes Project 0.00100; ExAC 0.00116; 1000 Genomes Project 30x 0.00141.
gnomAD v4.1: 1,268 of 1,610,122 alleles (0.079%); highest among the groups gnomAD compares: South Asian, 0.59%; 4 homozygotes.

Submission:

CeGaT Center for Human Genetics Tuebingen
Classification: Likely benign. Last evaluated: 2024-01-01. Review status: criteria provided, single submitter. Criteria: CeGaT Center For Human Genetics Tuebingen Variant Classification Criteria Version 2. Collection method: clinical testing. Allele origin: germline. Affected: yes. Observed: 1 variant allele.
Comment: PCDH9: BS2